The following is an entry in ClinVar:

NM_198253.3(TERT):c.1269_1273del (p.Gly424fs)

Gene: TERT (telomerase reverse transcriptase; minus strand). Cytogenetic location: 5p15.33.
Variant type: Deletion.
Coding change: c.1269_1273del on transcript NM_198253.3 (MANE Select); coding-DNA positions 1269 to 1273, 5 bases deleted (CGGTG; older notation c.1269_1273delCGGTG).
Protein change: p.Gly424fs; shifts the reading frame from glycine 424.
Molecular consequence: frameshift variant. On other transcripts: non-coding transcript variant (2).
Genome position (GRCh38, 1-based): chr5:1,293,613-1,293,617, CACCG deleted on the plus strand (CGGTG on the coding strand, the reverse complement: TERT is on the minus strand). VCF-style (leftmost placement, unchanged base first): chr5-1293612-ACACCG-A. GRCh37 (hg19) VCF-style: chr5-1293727-ACACCG-A.
Other names: c.1269_1273del, p.Gly424fs (NM_001193376.3); short protein forms G424fs.
Identifiers: ClinVar variation 4182801 (VCV004182801.1), dbSNP rs1561213572.
Genomic context (GRCh38, chr5:1,293,612, plus strand): 5'-GGGTCTGTGTCCTCCTCCTCGGGGGCCGCCACAGAGCCCTGGGGCTTCTCCCGGGCACAG[ACACCG>A]GCTGCTGGGGTGACCGCAGCTCGCAGCGGGCAGTGCGTCTTGAGGAGCACCCCGTAGGGG-3'

ClinVar aggregate classification (germline): Pathogenic (1 of 4 stars; one submission).

Conditions:
Dyskeratosis congenita. Identifiers: Orphanet 1775, MedGen C0265965, MONDO:0015780.

Submission:

Ambry Genetics
Classification: Pathogenic for Dyskeratosis congenita. Last evaluated: 2025-08-06. Review status: criteria provided, single submitter. Criteria: Ambry Variant Classification Scheme 2023. Collection method: clinical testing. Allele origin: germline.
Comment: The c.1269_1273delCGGTG pathogenic mutation, located in coding exon 2 of the TERT gene, results from a deletion of 5 nucleotides at nucleotide positions 1269 to 1273, causing a translational frameshift with a predicted alternate stop codon (p.G424Lfs*113). This variant is considered to be rare based on population cohorts in the Genome Aggregation Database (gnomAD). This alteration is expected to result in loss of function by premature protein truncation or nonsense-mediated mRNA decay. As such, this alteration is interpreted as a disease-causing mutation.